The following is an entry in ClinVar:

NM_153704.6(TMEM67):c.1662G>T (p.Met554Ile)

Gene: TMEM67 (transmembrane protein 67; plus strand). Cytogenetic location: 8q22.1.
Variant type: single nucleotide variant.
Coding change: c.1662G>T on transcript NM_153704.6 (MANE Select); coding-DNA position 1662, G replaced by T.
Protein change: p.Met554Ile; replaces methionine 554 with isoleucine.
Molecular consequence: missense variant. On other transcripts: non-coding transcript variant (1).
Genome position (GRCh38, 1-based): chr8:93,793,284, G>T. VCF-style: chr8-93793284-G-T. GRCh37 (hg19) VCF-style: chr8-94805512-G-T.
Other names: c.1419G>T, p.Met473Ile (NM_001142301.1); short protein forms M473I, M554I.
Identifiers: ClinVar variation 1471468 (VCV001471468.6), dbSNP rs184632089, ClinGen allele CA371691460.

ClinVar aggregate classification (germline): Uncertain significance (1 of 4 stars; one submission).

Conditions:
Meckel-Gruber syndrome. Also called: DYSENCEPHALIA SPLANCHNOCYSTICA; GRUBER SYNDROME; Dysencephalia splachnocystica. Identifiers: Orphanet 564, MedGen C0265215, MONDO:0018921.
Joubert syndrome. Also called: CEREBELLOPARENCHYMAL DISORDER IV; JOUBERT-BOLTSHAUSER SYNDROME; Familial aplasia of the vermis. Identifiers: Orphanet 475, MedGen C5979921, MONDO:0018772.

gnomAD v4.1: 2 of 1,613,486 alleles (0.00012%); highest among the groups gnomAD compares: Admixed American, 0.0017%; no homozygotes.

Submission:

Labcorp Genetics (formerly Invitae), Labcorp
Classification: Uncertain significance for Joubert syndrome; Meckel-Gruber syndrome. Last evaluated: 2021-08-28. Review status: criteria provided, single submitter. Criteria: Invitae Variant Classification Sherloc (09022015). Collection method: clinical testing. Allele origin: germline.
Comment: This sequence change replaces methionine with isoleucine at codon 554 of the TMEM67 protein (p.Met554Ile). The methionine residue is weakly conserved and there is a small physicochemical difference between methionine and isoleucine. This variant is not present in population databases (ExAC no frequency). This variant has not been reported in the literature in individuals affected with TMEM67-related conditions. Advanced modeling of protein sequence and biophysical properties (such as structural, functional, and spatial information, amino acid conservation, physicochemical variation, residue mobility, and thermodynamic stability) performed at Invitae indicates that this missense variant is not expected to disrupt TMEM67 protein function. In summary, the available evidence is currently insufficient to determine the role of this variant in disease. Therefore, it has been classified as a Variant of Uncertain Significance.